The following is an entry in ClinVar:

NM_032271.3(TRAF7):c.152G>A (p.Ser51Asn)

Gene: TRAF7 (TNF receptor associated factor 7; plus strand). Cytogenetic location: 16p13.3.
Variant type: single nucleotide variant.
Coding change: c.152G>A on transcript NM_032271.3 (MANE Select); coding-DNA position 152, G replaced by A.
Protein change: p.Ser51Asn; replaces serine 51 with asparagine.
Molecular consequence: missense variant.
Genome position (GRCh38, 1-based): chr16:2,168,089, G>A. VCF-style: chr16-2168089-G-A. GRCh37 (hg19) VCF-style: chr16-2218090-G-A.
Other names: short protein forms S51N.
Identifiers: ClinVar variation 2388693 (VCV002388693.26), dbSNP rs200141222, ClinGen allele CA7834438.

ClinVar aggregate classification (germline): Likely benign. Review status: criteria provided, multiple submitters, no conflicts (2 of 4 stars). 2 submissions from 2 submitters: Likely benign (2). Last evaluated 2024-10-01.

Conditions:
Inborn genetic diseases. Identifiers: MedGen C0950123, MeSH D030342.

Allele frequency attached by ClinVar (database versions not stated): ExAC 0.00013; ESP Exome Variant Server 0.00015; gnomAD exomes 0.00019; TOPMed 0.00023; gnomAD 0.00025.
gnomAD v4.1: 317 of 1,611,556 alleles (0.02%); highest among the groups gnomAD compares: Middle Eastern, 0.034%; 1 homozygote.

Submissions (2):

CeGaT Center for Human Genetics Tuebingen
Classification: Likely benign. Last evaluated: 2024-10-01. Review status: criteria provided, single submitter. Criteria: CeGaT Center For Human Genetics Tuebingen Variant Classification Criteria Version 2. Collection method: clinical testing. Allele origin: germline. Affected: yes. Observed: 2 variant alleles.
Comment: TRAF7: BS2

Ambry Genetics
Classification: Likely benign for Inborn genetic diseases. Last evaluated: 2021-10-29. Review status: criteria provided, single submitter. Criteria: Ambry Variant Classification Scheme 2023. Collection method: clinical testing. Allele origin: germline.